The following is an entry in ClinVar:

ClinVar aggregate classification (germline): Pathogenic (1 of 4 stars; one submission).

Conditions:
Neurodevelopmental disorder with hypotonia and characteristic brain abnormalities (NEDHBA). Identifiers: Orphanet 664430, MedGen C5935589, MONDO:0958278, OMIM 620746.

Submission:

3billion
Classification: Pathogenic for Neurodevelopmental disorder with hypotonia and characteristic brain abnormalities. Last evaluated: 2024-07-11. Review status: criteria provided, single submitter. Criteria: ACMG Guidelines, 2015. Collection method: clinical testing. Allele origin: germline. Affected: yes.
Comment: The variant is not observed in the gnomAD v4.0.0 dataset. Predicted Consequence/Location: Stop-gained (nonsense): predicted to result in a loss or disruption of normal protein function through nonsense-mediated decay (NMD) or protein truncation. Multiple pathogenic variants are reported downstream of the variant. Therefore, this variant is classified as Pathogenic according to the recommendation of ACMG/AMP guideline.

NM_001178015.2(SLC4A10):c.2184G>A (p.Trp728Ter)

Gene: SLC4A10 (solute carrier family 4 member 10; plus strand). Cytogenetic location: 2q24.2.
Variant type: single nucleotide variant.
Coding change: c.2184G>A on transcript NM_001178015.2 (MANE Select); coding-DNA position 2184, G replaced by A.
Protein change: p.Trp728Ter; replaces tryptophan 728 with a stop codon.
Molecular consequence: nonsense.
Genome position (GRCh38, 1-based): chr2:161,947,646, G>A. VCF-style: chr2-161947646-G-A. GRCh37 (hg19) VCF-style: chr2-162804156-G-A.
Other names: c.2127G>A, p.Trp709Ter (NM_001178016.2, NM_001354445.2); c.2184G>A, p.Trp728Ter (NM_001354440.2); c.2217G>A, p.Trp739Ter (NM_001354441.2, NM_001354442.2); c.2130G>A, p.Trp710Ter (NM_001354443.2, NM_001354447.2); c.2181G>A, p.Trp727Ter (NM_001354444.2); c.2094G>A, p.Trp698Ter (NM_001354446.2, NM_001354450.2, NM_022058.4); c.2124G>A, p.Trp708Ter (NM_001354448.2); c.2091G>A, p.Trp697Ter (NM_001354449.2, NM_001354451.2); and 3 more; short protein forms W505*, W649*, W697*, W698*, W708*, W709*, W710*, W727*.
Identifiers: ClinVar variation 4292590 (VCV004292590.1).